The following is an entry in ClinVar:

NM_015102.5(NPHP4):c.2305-6C>T

Gene: NPHP4 (nephrocystin 4; minus strand). Cytogenetic location: 1p36.31.
Variant type: single nucleotide variant.
Coding change: c.2305-6C>T on transcript NM_015102.5 (MANE Select); 6 bases into the intron before coding-DNA position 2305, C replaced by T.
Molecular consequence: intron variant.
Genome position (GRCh38, 1-based): chr1:5,887,472, G>A on the plus strand (C>T on the coding strand, the complement: NPHP4 is on the minus strand). VCF-style: chr1-5887472-G-A. GRCh37 (hg19) VCF-style: chr1-5947532-G-A.
Other names: c.769-6C>T (NM_001291594.2); c.766-6C>T (NM_001291593.2).
Identifiers: ClinVar variation 4979491 (VCV004979491.1).

ClinVar aggregate classification (germline): Likely benign (1 of 4 stars; one submission).

Conditions:
NPHP4-related disorder. Also called: NPHP4-related condition; NPHP4-related disorders. Identifiers: MedGen CN239384.

gnomAD v4.1: 3 of 1,612,676 alleles (0.00019%); highest among the groups gnomAD compares: South Asian, 0.0033%; no homozygotes.

Submission:

PreventionGenetics, part of Exact Sciences
Classification: Likely benign for NPHP4-related condition. Last evaluated: 2025-10-26. Review status: criteria provided, single submitter. Criteria: ACMG Guidelines, 2015. Collection method: clinical testing. Allele origin: germline.
Comment: This variant is classified as likely benign based on ACMG/AMP sequence variant interpretation guidelines (Richards et al. 2015 PMID: 25741868, with internal and published modifications).